The following is an entry in ClinVar:

NM_032581.4(HYCC1):c.649C>T (p.Arg217Ter)

Gene: HYCC1 (hyccin PI4KA lipid kinase complex subunit 1; minus strand). Cytogenetic location: 7p15.3.
Variant type: single nucleotide variant.
Coding change: c.649C>T on transcript NM_032581.4 (MANE Select); coding-DNA position 649, C replaced by T.
Protein change: p.Arg217Ter; replaces arginine 217 with a stop codon.
Molecular consequence: nonsense.
Genome position (GRCh38, 1-based): chr7:22,964,509, G>A on the plus strand (C>T on the coding strand, the complement: HYCC1 is on the minus strand). VCF-style: chr7-22964509-G-A. GRCh37 (hg19) VCF-style: chr7-23004128-G-A.
Other names: c.649C>T, p.Arg217Ter (NM_001363466.2, NM_001363467.2); short protein forms R217*.
Identifiers: ClinVar variation 1457726 (VCV001457726.8), dbSNP rs1784456045, ClinGen allele CA366974349.

ClinVar aggregate classification (germline): Pathogenic (1 of 4 stars; one submission).

Conditions:
Hypomyelination and Congenital Cataract (HLD5). Also called: hypomyelinating leukodystrophy 5. Identifiers: Orphanet 85163, MedGen C1864663, MONDO:0012514, OMIM 610532.

Allele frequency attached by ClinVar (database versions not stated): gnomAD exomes below 0.00001.
gnomAD v4.1: 1 of 1,603,146 alleles (0.000062%); highest among the groups gnomAD compares: Non-Finnish European, 0.000085%; no homozygotes.

Submission:

Labcorp Genetics (formerly Invitae), Labcorp
Classification: Pathogenic for Hypomyelination and Congenital Cataract. Last evaluated: 2026-01-19. Review status: criteria provided, single submitter. Criteria: Invitae Variant Classification Sherloc (09022015). Collection method: clinical testing. Allele origin: germline.
Comment: This sequence change creates a premature translational stop signal (p.Arg217*) in the FAM126A gene. It is expected to result in an absent or disrupted protein product. Loss-of-function variants in FAM126A are known to be pathogenic (PMID: 21911699, 22749724, 23998934). This variant is not present in population databases (gnomAD no frequency). This premature translational stop signal has been observed in individual(s) with hypomyelination and congenital cataract (PMID: 22749724). ClinVar contains an entry for this variant (Variation ID: 1457726). Algorithms developed to predict the effect of sequence changes on RNA splicing suggest that this variant may disrupt the consensus splice site. For these reasons, this variant has been classified as Pathogenic.

Literature cited by the submitters: PubMed 21911699; PubMed 22749724; PubMed 23998934.